The following is an entry in ClinVar:

NM_000312.4(PROC):c.520C>T (p.Gln174Ter)

Gene: PROC (protein C, inactivator of coagulation factors Va and VIIIa; plus strand). Cytogenetic location: 2q14.3.
Variant type: single nucleotide variant.
Coding change: c.520C>T on transcript NM_000312.4 (MANE Select); coding-DNA position 520, C replaced by T.
Protein change: p.Gln174Ter; replaces glutamine 174 with a stop codon.
Molecular consequence: nonsense.
Genome position (GRCh38, 1-based): chr2:127,423,393, C>T. VCF-style: chr2-127423393-C-T. GRCh37 (hg19) VCF-style: chr2-128180969-C-T.
Other names: p.Gln174*; c.703C>T, p.Gln235Ter (NM_001375602.1); c.685C>T, p.Gln229Ter (NM_001375603.1); c.583C>T, p.Gln195Ter (NM_001375604.1); c.622C>T, p.Gln208Ter (NM_001375605.1); c.688C>T, p.Gln230Ter (NM_001375606.1); c.706C>T, p.Gln236Ter (NM_001375607.1); c.463C>T, p.Gln155Ter (NM_001375608.1); and 4 more; short protein forms Q155*, Q166*, Q172*, Q174*, Q195*, Q208*, Q229*, Q230*.
Identifiers: ClinVar variation 1074000 (VCV001074000.11), dbSNP rs1434042239, ClinGen allele CA348400258.

ClinVar aggregate classification (germline): Pathogenic. Review status: criteria provided, multiple submitters, no conflicts (2 of 4 stars). 3 submissions from 3 submitters: Pathogenic (3). Last evaluated 2025-08-06.

Conditions:
Thrombophilia due to protein C deficiency, autosomal dominant. Also called: PROTEIN C DEFICIENCY, AUTOSOMAL DOMINANT; PROC DEFICIENCY, AUTOSOMAL DOMINANT. Identifiers: Orphanet 745, MedGen C2674321, MONDO:0008316, OMIM 176860. Disease mechanism: loss of function.
Thrombophilia due to protein C deficiency, autosomal recessive. Also called: PROTEIN C DEFICIENCY, AUTOSOMAL RECESSIVE; PROC DEFICIENCY, AUTOSOMAL RECESSIVE. Identifiers: Orphanet 745, MedGen C2676759, MONDO:0012860, OMIM 612304.

Allele frequency attached by ClinVar (database versions not stated): gnomAD exomes below 0.00001; TOPMed below 0.00001.
gnomAD v4.1: 5 of 1,550,224 alleles (0.00032%); highest among the groups gnomAD compares: Non-Finnish European, 0.00044%; no homozygotes.

Submissions (3):

Labcorp Genetics (formerly Invitae), Labcorp
Classification: Pathogenic for Thrombophilia due to protein C deficiency, autosomal dominant. Last evaluated: 2025-08-06. Review status: criteria provided, single submitter. Criteria: Invitae Variant Classification Sherloc (09022015). Collection method: clinical testing. Allele origin: germline.
Comment: This sequence change creates a premature translational stop signal (p.Gln174*) in the PROC gene. It is expected to result in an absent or disrupted protein product. Loss-of-function variants in PROC are known to be pathogenic (PMID: 17152060). This variant is not present in population databases (gnomAD no frequency). This premature translational stop signal has been observed in individual(s) with protein C deficiency (PMID: 1868249). This variant is also known as 3439C>T (p.Gln132Stop). ClinVar contains an entry for this variant (Variation ID: 1074000). For these reasons, this variant has been classified as Pathogenic.

Mayo Clinic Laboratories, Mayo Clinic
Classification: Pathogenic. Last evaluated: 2022-09-08. Review status: criteria provided, single submitter. Criteria: ACMG Guidelines, 2015. Collection method: clinical testing. Allele origin: germline. Observed: 1 variant allele.
Comment: PP1_strong, PM2, PS4_moderate, PVS1

Fulgent Genetics
Classification: Pathogenic for Thrombophilia due to protein C deficiency, autosomal dominant; Thrombophilia due to protein C deficiency, autosomal recessive. Last evaluated: 2021-09-23. Review status: criteria provided, single submitter. Criteria: ACMG Guidelines, 2015. Collection method: clinical testing. Allele origin: unknown.

Literature cited by the submitters: PubMed 17152060 (cited by Labcorp Genetics (formerly Invitae), Labcorp); PubMed 1868249 (cited by Labcorp Genetics (formerly Invitae), Labcorp).